The following is an entry in ClinVar:

NM_000277.3(PAH):c.505dup (p.Arg169fs)

Gene: PAH (phenylalanine hydroxylase; minus strand). Cytogenetic location: 12q23.2.
Variant type: Duplication.
Coding change: c.505dup on transcript NM_000277.3 (MANE Select); coding-DNA position 505, one base duplicated (C; older notation c.505dupC).
Protein change: p.Arg169fs; shifts the reading frame from arginine 169.
Molecular consequence: frameshift variant.
Genome position (GRCh38, 1-based): chr12:102,866,600, G duplicated on the plus strand (C on the coding strand, the reverse complement: PAH is on the minus strand); the first of 2 consecutive G bases (chr12:102,866,600-102,866,601); duplicating either gives the same sequence. VCF-style (leftmost placement, unchanged base first): chr12-102866599-C-CG. GRCh37 (hg19) VCF-style: chr12-103260377-C-CG.
Other names: c.505dup, p.Arg169fs (NM_001354304.2); short protein forms R169fs.
Identifiers: ClinVar variation 5012049 (VCV005012049.1).

ClinVar aggregate classification (germline): Pathogenic (1 of 4 stars; one submission).

Conditions:
Phenylketonuria (PKU). Also called: FOLLING DISEASE; OLIGOPHRENIA PHENYLPYRUVICA; Phenylketonurias; Phenylketonuria (PKU). Identifiers: Orphanet 716, MedGen C0031485, MONDO:0009861, OMIM 261600. Disease mechanism: loss of function.

Submission:

Myriad Genetics, Inc.
Classification: Pathogenic for Phenylketonuria. Last evaluated: 2023-09-27. Review status: criteria provided, single submitter. Criteria: Myriad Autosomal Dominant, Autosomal Recessive and X-Linked Classification Criteria (2023). Collection method: clinical testing. Allele origin: unknown.
Comment: NM_000277.1(PAH):c.505dupC(R169Pfs*31) is expected to be pathogenic in the context of phenylalanine hydroxylase deficiency. This variant is predicted to lead to an abnormal or absent protein product due to the creation of a premature termination codon in PAH, a gene where loss-of-function variants are known to be pathogenic. Please note: this variant was assessed in the context of healthy population screening.